The following is an entry in ClinVar:

ClinVar aggregate classification (germline): Uncertain significance (1 of 4 stars; one submission).

gnomAD v4.1: 1 of 1,595,028 alleles (0.000063%); highest among the groups gnomAD compares: Admixed American, 0.0017%; no homozygotes.

Submission:

GeneDx
Classification: Uncertain significance. Last evaluated: 2024-08-21. Review status: criteria provided, single submitter. Criteria: GeneDx Variant Classification Process June 2021. Collection method: clinical testing. Allele origin: germline. Affected: yes.
Comment: Not observed at significant frequency in large population cohorts (gnomAD); In silico analysis supports that this missense variant has a deleterious effect on protein structure/function; Has not been previously published as pathogenic or benign to our knowledge

NM_001367561.1(DOCK7):c.1909C>T (p.Pro637Ser)

Gene: DOCK7 (dedicator of cytokinesis 7; minus strand). Cytogenetic location: 1p31.3.
Variant type: single nucleotide variant.
Coding change: c.1909C>T on transcript NM_001367561.1 (MANE Select); coding-DNA position 1909, C replaced by T.
Protein change: p.Pro637Ser; replaces proline 637 with serine.
Molecular consequence: missense variant.
Genome position (GRCh38, 1-based): chr1:62,578,929, G>A on the plus strand (C>T on the coding strand, the complement: DOCK7 is on the minus strand). VCF-style: chr1-62578929-G-A. GRCh37 (hg19) VCF-style: chr1-63044600-G-A.
Other names: c.1909C>T, p.Pro637Ser (NM_001271999.2, NM_001272000.2, NM_001272001.2 and 2 more transcripts); short protein forms P637S.
Identifiers: ClinVar variation 3764337 (VCV003764337.1).